The following is an entry in ClinVar:

ClinVar aggregate classification (germline): Likely benign (1 of 4 stars; one submission).

Allele frequency attached by ClinVar (database versions not stated): ExAC 0.00001; gnomAD exomes below 0.00001.
gnomAD v4.1: 3 of 1,614,248 alleles (0.00019%); highest among the groups gnomAD compares: Non-Finnish European, 0.00025%; no homozygotes.

Submission:

GeneDx
Classification: Likely benign. Last evaluated: 2016-06-27. Review status: criteria provided, single submitter. Criteria: GeneDx Variant Classification (06012015). Collection method: clinical testing. Allele origin: germline. Affected: yes.
Comment: This variant is considered likely benign or benign based on one or more of the following criteria: it is a conservative change, it occurs at a poorly conserved position in the protein, it is predicted to be benign by multiple in silico algorithms, and/or has population frequency not consistent with disease.

NM_005670.4(EPM2A):c.870G>A (p.Arg290=)

Gene: EPM2A (EPM2A glucan phosphatase, laforin; minus strand). Cytogenetic location: 6q24.3.
Variant type: single nucleotide variant.
Coding change: c.870G>A on transcript NM_005670.4 (MANE Select); coding-DNA position 870, G replaced by A.
Protein change: p.Arg290=; no amino-acid change (arginine 290 retained).
Molecular consequence: synonymous variant. On other transcripts: missense variant (1), non-coding transcript variant (1).
Genome position (GRCh38, 1-based): chr6:145,627,542, C>T on the plus strand (G>A on the coding strand, the complement: EPM2A is on the minus strand). VCF-style: chr6-145627542-C-T. GRCh37 (hg19) VCF-style: chr6-145948678-C-T.
Other names: c.870G>A, p.Arg290= (NM_001018041.2); c.628G>A, p.Glu210Lys (NM_001360057.2); c.456G>A, p.Arg152= (NM_001360064.2, NM_001360071.2, NM_001368131.1); c.408G>A, p.Arg136= (NM_001368129.2, NM_001368132.1); short protein forms E210K.
Identifiers: ClinVar variation 387240 (VCV000387240.1), dbSNP rs770041557, ClinGen allele CA4035054.